The following is an entry in ClinVar:

NM_002691.4(POLD1):c.-2+3G>C

Gene: POLD1 (DNA polymerase delta 1, catalytic subunit; plus strand). Cytogenetic location: 19q13.33.
Variant type: single nucleotide variant.
Coding change: c.-2+3G>C on transcript NM_002691.4 (MANE Select); 3 bases into the intron after 2 bases upstream of the start codon, G replaced by C.
Molecular consequence: intron variant.
Genome position (GRCh38, 1-based): chr19:50,384,393, G>C. VCF-style: chr19-50384393-G-C. GRCh37 (hg19) VCF-style: chr19-50887650-G-C.
Other names: c.-5+3G>C (NM_001256849.1, NM_001438210.1); c.-147+3G>C (NM_001438212.1); c.-128+3G>C (NM_001438213.1); c.-2+3G>C (NM_001438211.1).
Identifiers: ClinVar variation 4668891 (VCV004668891.1).

ClinVar aggregate classification (germline): Uncertain significance (1 of 4 stars; one submission).

Conditions:
Hereditary cancer-predisposing syndrome. Also called: Neoplastic Syndromes, Hereditary; Tumor predisposition; Hereditary Cancer Syndrome; Hereditary neoplastic syndrome. Identifiers: Orphanet 140162, MedGen C0027672, MeSH D009386, MONDO:0015356.

Submission:

Ambry Genetics
Classification: Uncertain significance for Hereditary cancer-predisposing syndrome. Last evaluated: 2025-09-16. Review status: criteria provided, single submitter. Criteria: Ambry Variant Classification Scheme 2023. Collection method: clinical testing. Allele origin: germline.
Comment: The c.-2+3G>C intronic variant is located in the 5' untranslated region (5&rsquo; UTR) of the POLD1 gene. This intronic variant results from a G to C substitution 3 nucleotides after the first translated codon. This nucleotide position is well conserved in available vertebrate species. In silico splice site analysis predicts that this alteration will not have any significant effect on splicing. Based on the available evidence, the clinical significance of this variant remains unclear.